The following is an entry in ClinVar:

NM_006245.4(PPP2R5D):c.281T>A (p.Leu94His)

Gene: PPP2R5D (protein phosphatase 2 regulatory subunit B'delta; plus strand). Cytogenetic location: 6p21.1.
Variant type: single nucleotide variant.
Coding change: c.281T>A on transcript NM_006245.4 (MANE Select); coding-DNA position 281, T replaced by A.
Protein change: p.Leu94His; replaces leucine 94 with histidine.
Molecular consequence: missense variant. On other transcripts: 5 prime UTR variant (1), intron variant (2).
Genome position (GRCh38, 1-based): chr6:43,006,638, T>A. VCF-style: chr6-43006638-T-A. GRCh37 (hg19) VCF-style: chr6-42974376-T-A.
Other names: c.-173T>A (NM_001270476.2); c.249+32T>A (NM_180976.3); c.28-296T>A (NM_180977.3); short protein forms L94H.
Identifiers: ClinVar variation 1311358 (VCV001311358.2), dbSNP rs1207959150, ClinGen allele CA364180973.

ClinVar aggregate classification (germline): Uncertain significance (1 of 4 stars; one submission).

Allele frequency attached by ClinVar (database versions not stated): gnomAD 0.00001; TOPMed 0.00002.
gnomAD v4.1: 2 of 1,613,994 alleles (0.00012%); highest among the groups gnomAD compares: Non-Finnish European, 0.00017%; no homozygotes.

Submission:

GeneDx
Classification: Uncertain significance. Last evaluated: 2020-01-17. Review status: criteria provided, single submitter. Criteria: GeneDx Variant Classification Process June 2021. Collection method: clinical testing. Allele origin: germline. Affected: yes.
Comment: Not observed in large population cohorts (Lek et al., 2016); In silico analysis, which includes protein predictors and evolutionary conservation, supports a deleterious effect; Has not been previously published as pathogenic or benign to our knowledge